The following is an entry in ClinVar:

NM_181783.4(TMTC3):c.1681G>A (p.Asp561Asn)

Gene: TMTC3 (transmembrane O-mannosyltransferase targeting cadherins 3; plus strand). Cytogenetic location: 12q21.32.
Variant type: single nucleotide variant.
Coding change: c.1681G>A on transcript NM_181783.4 (MANE Select); coding-DNA position 1681, G replaced by A.
Protein change: p.Asp561Asn; replaces aspartic acid 561 with asparagine.
Molecular consequence: missense variant. On other transcripts: non-coding transcript variant (1).
Genome position (GRCh38, 1-based): chr12:88,190,597, G>A. VCF-style: chr12-88190597-G-A. GRCh37 (hg19) VCF-style: chr12-88584374-G-A.
Other names: c.1501G>A, p.Asp501Asn (NM_001366574.1); c.1462G>A, p.Asp488Asn (NM_001366579.1); c.1414G>A, p.Asp472Asn (NM_001366580.1); c.988G>A, p.Asp330Asn (NM_001366583.1); short protein forms D330N, D561N, D488N, D472N, D501N.
Identifiers: ClinVar variation 1443385 (VCV001443385.7), dbSNP rs760401701, ClinGen allele CA6713342.

ClinVar aggregate classification (germline): Uncertain significance. Review status: criteria provided, multiple submitters, no conflicts (2 of 4 stars). 2 submissions from 2 submitters: Uncertain significance (2). Last evaluated 2024-03-18.

Conditions:
Lissencephaly 8 (LIS8). Identifiers: MedGen C4310646, MONDO:0014992, OMIM 617255.

Allele frequency attached by ClinVar (database versions not stated): gnomAD 0.00003; gnomAD exomes 0.00003 and 0.00006; TOPMed 0.00003; ExAC 0.00005.
gnomAD v4.1: 90 of 1,613,410 alleles (0.0056%); highest among the groups gnomAD compares: Non-Finnish European, 0.0063%; no homozygotes.

Submissions (2):

Fulgent Genetics
Classification: Uncertain significance for Lissencephaly 8. Last evaluated: 2024-03-18. Review status: criteria provided, single submitter. Criteria: ACMG Guidelines, 2015. Collection method: clinical testing. Allele origin: germline.

Labcorp Genetics (formerly Invitae), Labcorp
Classification: Uncertain significance. Last evaluated: 2021-09-15. Review status: criteria provided, single submitter. Criteria: Invitae Variant Classification Sherloc (09022015). Collection method: clinical testing. Allele origin: germline.
Comment: This sequence change replaces aspartic acid with asparagine at codon 561 of the TMTC3 protein (p.Asp561Asn). The aspartic acid residue is highly conserved and there is a small physicochemical difference between aspartic acid and asparagine. In summary, the available evidence is currently insufficient to determine the role of this variant in disease. Therefore, it has been classified as a Variant of Uncertain Significance. Algorithms developed to predict the effect of missense changes on protein structure and function are either unavailable or do not agree on the potential impact of this missense change (SIFT: "Tolerated"; PolyPhen-2: "Possibly Damaging"; Align-GVGD: "Class C0"). This variant has not been reported in the literature in individuals affected with TMTC3-related conditions. This variant is present in population databases (rs760401701, ExAC 0.008%).